The following is an entry in ClinVar:

NM_016327.3(UPB1):c.1000C>T (p.Arg334Trp)

Gene: UPB1 (beta-ureidopropionase 1; plus strand). Cytogenetic location: 22q11.23.
Variant type: single nucleotide variant.
Coding change: c.1000C>T on transcript NM_016327.3 (MANE Select); coding-DNA position 1000, C replaced by T.
Protein change: p.Arg334Trp; replaces arginine 334 with tryptophan.
Molecular consequence: missense variant.
Genome position (GRCh38, 1-based): chr22:24,523,702, C>T. VCF-style: chr22-24523702-C-T. GRCh37 (hg19) VCF-style: chr22-24919670-C-T.
Other names: c.1000C>T (NM_016327.2); short protein forms R334W.
Identifiers: ClinVar variation 2168690 (VCV002168690.6), dbSNP rs367569283, ClinGen allele CA10153463.

ClinVar aggregate classification (germline): Uncertain significance. Review status: criteria provided, multiple submitters, no conflicts (2 of 4 stars). 3 submissions from 3 submitters: Uncertain significance (3). Last evaluated 2025-05-19.

Conditions:
Inborn genetic diseases. Identifiers: MedGen C0950123, MeSH D030342.

Allele frequency attached by ClinVar (database versions not stated): TOPMed 0.00003; ExAC 0.00004; gnomAD 0.00005; ESP Exome Variant Server 0.00008; 1000 Genomes Project 30x 0.00031; 1000 Genomes Project 0.00040.

Submissions (3):

Ambry Genetics
Classification: Uncertain significance for Inborn genetic diseases. Last evaluated: 2025-05-19. Review status: criteria provided, single submitter. Criteria: Ambry Variant Classification Scheme 2023. Collection method: clinical testing. Allele origin: germline.

Blueprint Genetics
Classification: Uncertain significance. Last evaluated: 2023-09-26. Review status: criteria provided, single submitter. Criteria: ACMG Guidelines, 2015. Collection method: clinical testing. Allele origin: germline.

Labcorp Genetics (formerly Invitae), Labcorp
Classification: Uncertain significance. Last evaluated: 2023-04-24. Review status: criteria provided, single submitter. Criteria: Invitae Variant Classification Sherloc (09022015). Collection method: clinical testing. Allele origin: germline.
Comment: This variant is present in population databases (rs367569283, gnomAD 0.03%). This variant has not been reported in the literature in individuals affected with UPB1-related conditions. ClinVar contains an entry for this variant (Variation ID: 2168690). Advanced modeling of protein sequence and biophysical properties (such as structural, functional, and spatial information, amino acid conservation, physicochemical variation, residue mobility, and thermodynamic stability) performed at Invitae indicates that this missense variant is expected to disrupt UPB1 protein function. In summary, the available evidence is currently insufficient to determine the role of this variant in disease. Therefore, it has been classified as a Variant of Uncertain Significance. This sequence change replaces arginine, which is basic and polar, with tryptophan, which is neutral and slightly polar, at codon 334 of the UPB1 protein (p.Arg334Trp).